The following is an entry in ClinVar:

NM_000526.5(KRT14):c.415G>C (p.Ala139Pro)

Gene: KRT14 (keratin 14; minus strand). Cytogenetic location: 17q21.2.
Variant type: single nucleotide variant.
Coding change: c.415G>C on transcript NM_000526.5 (MANE Select); coding-DNA position 415, G replaced by C.
Protein change: p.Ala139Pro; replaces alanine 139 with proline.
Molecular consequence: missense variant.
Genome position (GRCh38, 1-based): chr17:41,586,420, C>G on the plus strand (G>C on the coding strand, the complement: KRT14 is on the minus strand). VCF-style: chr17-41586420-C-G. GRCh37 (hg19) VCF-style: chr17-39742672-C-G.
Other names: short protein forms A139P.
Identifiers: ClinVar variation 2159539 (VCV002159539.4), dbSNP rs2508736319, ClinGen allele CA399482317.

ClinVar aggregate classification (germline): Uncertain significance (1 of 4 stars; one submission).

Submission:

Labcorp Genetics (formerly Invitae), Labcorp
Classification: Uncertain significance. Last evaluated: 2022-06-12. Review status: criteria provided, single submitter. Criteria: Invitae Variant Classification Sherloc (09022015). Collection method: clinical testing. Allele origin: germline.
Comment: In summary, the available evidence is currently insufficient to determine the role of this variant in disease. Therefore, it has been classified as a Variant of Uncertain Significance. Advanced modeling of protein sequence and biophysical properties (such as structural, functional, and spatial information, amino acid conservation, physicochemical variation, residue mobility, and thermodynamic stability) performed at Invitae indicates that this missense variant is expected to disrupt KRT14 protein function. This variant has not been reported in the literature in individuals affected with KRT14-related conditions. This variant is not present in population databases (gnomAD no frequency). This sequence change replaces alanine, which is neutral and non-polar, with proline, which is neutral and non-polar, at codon 139 of the KRT14 protein (p.Ala139Pro).